The following is an entry in ClinVar:

NM_001276252.2(WDTC1):c.1099C>T (p.Gln367Ter)

Gene: WDTC1 (WD and tetratricopeptide repeats 1; plus strand). Cytogenetic location: 1p36.11.
Variant type: single nucleotide variant.
Coding change: c.1099C>T on transcript NM_001276252.2 (MANE Select); coding-DNA position 1099, C replaced by T.
Protein change: p.Gln367Ter; replaces glutamine 367 with a stop codon.
Molecular consequence: nonsense.
Genome position (GRCh38, 1-based): chr1:27,297,978, C>T. VCF-style: chr1-27297978-C-T. GRCh37 (hg19) VCF-style: chr1-27624469-C-T.
Other names: c.1099C>T, p.Gln367Ter (NM_001410767.1); c.1096C>T, p.Gln366Ter (NM_015023.5); short protein forms Q366*, Q367*.
Identifiers: ClinVar variation 4813977 (VCV004813977.1).

ClinVar aggregate classification (germline): Likely pathogenic (1 of 4 stars; one submission).

Conditions:
WDTC1-related disorder.

Submission:

Daryl Scott Lab, Baylor College of Medicine
Classification: Likely pathogenic for WDTC1-related disorder. Last evaluated: 2025-08-25. Review status: criteria provided, single submitter. Criteria: ACMG Guidelines, 2015. Collection method: clinical testing. Allele origin: de novo. Affected: yes. Observed: 1 heterozygote.
Comment: PVS1_supporting, PS2, PM2